The following is an entry in ClinVar:

ClinVar aggregate classification (germline): Uncertain significance (1 of 4 stars; one submission).

Submission:

Labcorp Genetics (formerly Invitae), Labcorp
Classification: Uncertain significance. Last evaluated: 2025-06-09. Review status: criteria provided, single submitter. Criteria: Invitae Variant Classification Sherloc (09022015). Collection method: clinical testing. Allele origin: germline.
Comment: This sequence change replaces glycine, which is neutral and non-polar, with alanine, which is neutral and non-polar, at codon 63 of the COL7A1 protein (p.Gly63Ala). This variant is not present in population databases (gnomAD no frequency). This variant has not been reported in the literature in individuals affected with COL7A1-related conditions. Invitae Evidence Modeling of protein sequence and biophysical properties (such as structural, functional, and spatial information, amino acid conservation, physicochemical variation, residue mobility, and thermodynamic stability) indicates that this missense variant is not expected to disrupt COL7A1 protein function with a negative predictive value of 95%. In summary, the available evidence is currently insufficient to determine the role of this variant in disease. Therefore, it has been classified as a Variant of Uncertain Significance.

NM_000094.4(COL7A1):c.188G>C (p.Gly63Ala)

Gene: COL7A1 (collagen type VII alpha 1 chain; minus strand). Cytogenetic location: 3p21.31.
Variant type: single nucleotide variant.
Coding change: c.188G>C on transcript NM_000094.4 (MANE Select); coding-DNA position 188, G replaced by C.
Protein change: p.Gly63Ala; replaces glycine 63 with alanine.
Molecular consequence: missense variant.
Genome position (GRCh38, 1-based): chr3:48,594,446, C>G on the plus strand (G>C on the coding strand, the complement: COL7A1 is on the minus strand). VCF-style: chr3-48594446-C-G. GRCh37 (hg19) VCF-style: chr3-48631879-C-G.
Other names: short protein forms G63A.
Identifiers: ClinVar variation 4801675 (VCV004801675.1).